The following is an entry in ClinVar:

ClinVar aggregate classification (germline): Uncertain significance. Review status: criteria provided, multiple submitters, no conflicts (2 of 4 stars). 2 submissions from 2 submitters: Uncertain significance (2). Last evaluated 2025-12-30.

Conditions:
Congenital contractural arachnodactyly (CCA). Also called: BEALS SYNDROME; Beals-Hecht syndrome; Arthrogryposis, distal, type 9. Identifiers: Orphanet 115, MedGen C0220668, MONDO:0007363, OMIM 121050.
Familial thoracic aortic aneurysm and aortic dissection (TAAD). Also called: Thoracic aortic aneurysms and dissections. Identifiers: Orphanet 91387, MedGen C4707243, MONDO:0019625.

gnomAD v4.1: 8 of 1,614,064 alleles (0.0005%); highest among the groups gnomAD compares: Non-Finnish European, 0.00068%; no homozygotes.

Submissions (2):

Ambry Genetics
Classification: Uncertain significance for Familial thoracic aortic aneurysm and aortic dissection. Last evaluated: 2025-12-30. Review status: criteria provided, single submitter. Criteria: Ambry Variant Classification Scheme 2023. Collection method: clinical testing. Allele origin: germline.
Comment: The p.E2891G variant (also known as c.8672A>G), located in coding exon 65 of the FBN2 gene, results from an A to G substitution at nucleotide position 8672. The glutamic acid at codon 2891 is replaced by glycine, an amino acid with similar properties. This amino acid position is conserved. In addition, the in silico prediction for this alteration is inconclusive. Based on the available evidence, the clinical significance of this variant remains unclear.

Labcorp Genetics (formerly Invitae), Labcorp
Classification: Uncertain significance for Congenital contractural arachnodactyly. Last evaluated: 2024-05-25. Review status: criteria provided, single submitter. Criteria: Invitae Variant Classification Sherloc (09022015). Collection method: clinical testing. Allele origin: germline.
Comment: This sequence change replaces glutamic acid, which is acidic and polar, with glycine, which is neutral and non-polar, at codon 2891 of the FBN2 protein (p.Glu2891Gly). This variant is not present in population databases (gnomAD no frequency). This variant has not been reported in the literature in individuals affected with FBN2-related conditions. Advanced modeling of protein sequence and biophysical properties (such as structural, functional, and spatial information, amino acid conservation, physicochemical variation, residue mobility, and thermodynamic stability) performed at Invitae indicates that this missense variant is not expected to disrupt FBN2 protein function with a negative predictive value of 95%. In summary, the available evidence is currently insufficient to determine the role of this variant in disease. Therefore, it has been classified as a Variant of Uncertain Significance.

NM_001999.4(FBN2):c.8672A>G (p.Glu2891Gly)

Gene: FBN2 (fibrillin 2; minus strand). Cytogenetic location: 5q23.3.
Variant type: single nucleotide variant.
Coding change: c.8672A>G on transcript NM_001999.4 (MANE Select); coding-DNA position 8672, A replaced by G.
Protein change: p.Glu2891Gly; replaces glutamic acid 2891 with glycine.
Molecular consequence: missense variant.
Genome position (GRCh38, 1-based): chr5:128,259,522, T>C on the plus strand (A>G on the coding strand, the complement: FBN2 is on the minus strand). VCF-style: chr5-128259522-T-C. GRCh37 (hg19) VCF-style: chr5-127595214-T-C.
Other names: short protein forms E2891G.
Identifiers: ClinVar variation 3613457 (VCV003613457.3), dbSNP rs863223581.